The following is an entry in ClinVar:

ClinVar aggregate classification (germline): Pathogenic (1 of 4 stars; one submission).

Conditions:
Mucolipidosis type II. Also called: ML II ALPHA/BETA; Mucolipidosis 2; ML 2; Inclusion cell disease; Leroy Disease; N-acetylglucosamine 1phosphotransferase deficiency. Identifiers: Orphanet 576, MedGen C2673377, MONDO:0009650, OMIM 252500.
Pseudo-Hurler polydystrophy. Also called: ML III; ML III ALPHA/BETA; Type III Mucolipidosis; ML IIIA; Mucolipidosis III Alpha/Beta; MUCOLIPIDOSIS IIIA. Identifiers: Orphanet 423461, Orphanet 577, MedGen C0033788, MONDO:0018931, OMIM 252600.

Allele frequency attached by ClinVar (database versions not stated): gnomAD exomes below 0.00001.

Submission:

Labcorp Genetics (formerly Invitae), Labcorp
Classification: Pathogenic for Pseudo-Hurler polydystrophy; Mucolipidosis type II. Last evaluated: 2023-06-16. Review status: criteria provided, single submitter. Criteria: Invitae Variant Classification Sherloc (09022015). Collection method: clinical testing. Allele origin: germline.
Comment: This variant has not been reported in the literature in individuals affected with GNPTAB-related conditions. This variant is present in population databases (no rsID available, gnomAD 0.003%). This sequence change creates a premature translational stop signal (p.Tyr555*) in the GNPTAB gene. It is expected to result in an absent or disrupted protein product. Loss-of-function variants in GNPTAB are known to be pathogenic (PMID: 19617216, 25107912). For these reasons, this variant has been classified as Pathogenic.

Literature cited by the submitters: PubMed 19617216; PubMed 25107912.

NM_024312.5(GNPTAB):c.1665del (p.His554_Tyr555insTer)

Gene: GNPTAB (N-acetylglucosamine-1-phosphate transferase subunits alpha and beta; minus strand). Cytogenetic location: 12q23.2.
Variant type: Deletion.
Coding change: c.1665del on transcript NM_024312.5 (MANE Select); coding-DNA position 1665, one base deleted (T; older notation c.1665delT).
Protein change: p.His554_Tyr555insTer.
Molecular consequence: nonsense.
Genome position (GRCh38, 1-based): chr12:101,765,252, A deleted on the plus strand (T on the coding strand, the reverse complement: GNPTAB is on the minus strand). VCF-style (leftmost placement, unchanged base first): chr12-101765251-TA-T. GRCh37 (hg19) VCF-style: chr12-102159029-TA-T.
Identifiers: ClinVar variation 2937061 (VCV002937061.3), dbSNP rs1566074689, ClinGen allele CA607597842.
Genomic context (GRCh38, chr12:101,765,251, plus strand): 5'-CTCCTCTTTTGGCTACTTCTGCAAAGCTGAAATAAGGCAGGCATTCACCTTTTGGAATAA[TA>T]TAGTGAGTCTGGTTTGGGAGAAGGATCACTTTATACAATTCATGAAAATGATCTAGAGGA-3'